The following is an entry in ClinVar:

NM_000484.4(APP):c.272C>A (p.Pro91Gln)

Gene: APP (amyloid beta precursor protein; minus strand). Cytogenetic location: 21q21.3.
Variant type: single nucleotide variant.
Coding change: c.272C>A on transcript NM_000484.4 (MANE Select); coding-DNA position 272, C replaced by A.
Protein change: p.Pro91Gln; replaces proline 91 with glutamine.
Molecular consequence: missense variant.
Genome position (GRCh38, 1-based): chr21:26,090,026, G>T on the plus strand (C>A on the coding strand, the complement: APP is on the minus strand). VCF-style: chr21-26090026-G-T. GRCh37 (hg19) VCF-style: chr21-27462342-G-T.
Other names: c.257C>A, p.Pro86Gln (NM_001136016.3); c.104C>A, p.Pro35Gln (NM_001136129.3, NM_001136130.3); c.167C>A, p.Pro56Gln (NM_001136131.3); c.272C>A, p.Pro91Gln (NM_001204301.2, NM_001204302.2, NM_001204303.2 and 3 more transcripts); short protein forms P35Q, P56Q, P86Q, P91Q.
Identifiers: ClinVar variation 3063726 (VCV003063726.1), dbSNP rs1394215533, ClinGen allele CA409862648.

ClinVar aggregate classification (germline): Uncertain significance (1 of 4 stars; one submission).

Allele frequency attached by ClinVar (database versions not stated): gnomAD exomes below 0.00001; TOPMed below 0.00001; gnomAD 0.00001.
gnomAD v4.1: 8 of 1,614,046 alleles (0.0005%); highest among the groups gnomAD compares: Non-Finnish European, 0.00068%; no homozygotes.

Submission:

Women's Health and Genetics/Laboratory Corporation of America, LabCorp
Classification: Uncertain significance. Last evaluated: 2024-01-31. Review status: criteria provided, single submitter. Criteria: LabCorp Variant Classification Summary - May 2015. Collection method: clinical testing. Allele origin: germline.
Comment: Variant summary: APP c.272C>A (p.Pro91Gln) results in a non-conservative amino acid change located in the amyloidogenic glycoprotein, extracellular domain (IPR008154) of the encoded protein sequence. Four of five in-silico tools predict a damaging effect of the variant on protein function. The variant was absent in 251480 control chromosomes (gnomAD). The available data on variant occurrences in the general population are insufficient to allow any conclusion about variant significance. To our knowledge, no occurrence of c.272C>A in individuals affected with APP-Related Cerebral Amyloid Angiopathy and no experimental evidence demonstrating its impact on protein function have been reported. No submitters have cited clinical-significance assessments for this variant to ClinVar. Based on the evidence outlined above, the variant was classified as uncertain significance.